The following is an entry in ClinVar:

ClinVar aggregate classification (germline): Uncertain significance (1 of 4 stars; one submission).

Allele frequency attached by ClinVar (database versions not stated): gnomAD 0.00001; gnomAD exomes 0.00002; ExAC 0.00004; TOPMed 0.00004; ESP Exome Variant Server 0.00008.
gnomAD v4.1: 27 of 1,614,036 alleles (0.0017%); highest among the groups gnomAD compares: South Asian, 0.0055%; no homozygotes.

Submission:

Labcorp Genetics (formerly Invitae), Labcorp
Classification: Uncertain significance. Last evaluated: 2024-11-11. Review status: criteria provided, single submitter. Criteria: Invitae Variant Classification Sherloc (09022015). Collection method: clinical testing. Allele origin: germline.
Comment: This sequence change replaces arginine, which is basic and polar, with histidine, which is basic and polar, at codon 93 of the ACAN protein (p.Arg93His). This variant is present in population databases (rs376202313, gnomAD 0.006%). This variant has not been reported in the literature in individuals affected with ACAN-related conditions. ClinVar contains an entry for this variant (Variation ID: 2712368). Invitae Evidence Modeling of protein sequence and biophysical properties (such as structural, functional, and spatial information, amino acid conservation, physicochemical variation, residue mobility, and thermodynamic stability) indicates that this missense variant is not expected to disrupt ACAN protein function with a negative predictive value of 80%. In summary, the available evidence is currently insufficient to determine the role of this variant in disease. Therefore, it has been classified as a Variant of Uncertain Significance.

NM_001369268.1(ACAN):c.278G>A (p.Arg93His)

Gene: ACAN (aggrecan; plus strand). Cytogenetic location: 15q26.1.
Variant type: single nucleotide variant.
Coding change: c.278G>A on transcript NM_001369268.1 (MANE Select); coding-DNA position 278, G replaced by A.
Protein change: p.Arg93His; replaces arginine 93 with histidine.
Molecular consequence: missense variant.
Genome position (GRCh38, 1-based): chr15:88,838,870, G>A. VCF-style: chr15-88838870-G-A. GRCh37 (hg19) VCF-style: chr15-89382101-G-A.
Other names: c.278G>A, p.Arg93His (NM_001135.4, NM_001411096.1, NM_001411097.1 and 1 more transcripts); short protein forms R93H.
Identifiers: ClinVar variation 2712368 (VCV002712368.3), dbSNP rs376202313, ClinGen allele CA7719180.